The following is an entry in ClinVar:

NM_003268.6(TLR5):c.2305C>T (p.Leu769Phe)

Gene: TLR5 (toll like receptor 5; minus strand). Cytogenetic location: 1q41.
Variant type: single nucleotide variant.
Coding change: c.2305C>T on transcript NM_003268.6 (MANE Select); coding-DNA position 2305, C replaced by T.
Protein change: p.Leu769Phe; replaces leucine 769 with phenylalanine.
Molecular consequence: missense variant.
Genome position (GRCh38, 1-based): chr1:223,110,727, G>A on the plus strand (C>T on the coding strand, the complement: TLR5 is on the minus strand). VCF-style: chr1-223110727-G-A. GRCh37 (hg19) VCF-style: chr1-223284069-G-A.
Other names: c.2305C>T, p.Leu769Phe (NM_001437539.1, NM_001437624.1, NM_001437650.1 and 1 more transcripts); short protein forms L769F.
Identifiers: ClinVar variation 4083680 (VCV004083680.8).

ClinVar aggregate classification (germline): Likely benign (1 of 4 stars; one submission).

gnomAD v4.1: 6,274 of 1,614,190 alleles (0.39%); highest among the groups gnomAD compares: Middle Eastern, 0.73%; 28 homozygotes.

Submission:

CeGaT Center for Human Genetics Tuebingen
Classification: Likely benign. Last evaluated: 2025-06-01. Review status: criteria provided, single submitter. Criteria: CeGaT Center For Human Genetics Tuebingen Variant Classification Criteria Version 2. Collection method: clinical testing. Allele origin: germline. Affected: yes. Observed: 1 variant allele.
Comment: TLR5: BP4, BS2; ENSG00000299361: BS2